The following is an entry in ClinVar:

ClinVar aggregate classification (germline): Conflicting classifications of pathogenicity. Review status: criteria provided, conflicting classifications (1 of 4 stars). 10 submissions from 9 submitters: Uncertain significance (8); Likely benign (1). 1 of the submissions does not count toward it. Last evaluated 2026-10-09.

Conditions:
Hearing loss, autosomal recessive. Also called: Rare autosomal recessive non-syndromic sensorineural deafness type DFNB; Autosomal recessive nonsyndromic deafness; Nonsyndromic Hearing Loss, Recessive; Deafness, autosomal recessive. Identifiers: Orphanet 90635, Orphanet 90636, MedGen C1846647, MONDO:0019588, OMIM 607197.
Hearing impairment. Also called: Impaired Hearing. Identifiers: MedGen C1384666, MONDO:0005365, HP:0000365.
Pendred syndrome (PDS). Also called: Pendred Syndrome (PDS); Pendred's syndrome; THYROID DYSHORMONOGENESIS 2B; THYROID HORMONOGENESIS, GENETIC DEFECT IN, 2B; DEAFNESS WITH GOITER; GOITER-DEAFNESS SYNDROME. Identifiers: Orphanet 705, MedGen C0271829, MONDO:0010134, OMIM 274600.
Autosomal recessive nonsyndromic hearing loss 4 (DFNB4). Also called: DEAFNESS, AUTOSOMAL RECESSIVE 4, WITH ENLARGED VESTIBULAR AQUEDUCT, DIGENIC; NEUROSENSORY NONSYNDROMIC RECESSIVE DEAFNESS 4; Deafness, autosomal recessive 4, with enlarged vestibular aqueduct; Deafness, autosomal recessive 4; Nonsyndromic enlarged vestibular aqueduct (NSEVA); Enlarged vestibular aqueduct, digenic. Identifiers: Orphanet 90636, MedGen C3538946, MONDO:0010933, OMIM 600791.

Allele frequency attached by ClinVar (database versions not stated): ExAC 0.00014; gnomAD exomes 0.00020; gnomAD 0.00030; TOPMed 0.00030; 1000 Genomes Project 0.00040; 1000 Genomes Project 30x 0.00047.

Submissions (10):

GeneDx
Classification: Uncertain significance. Last evaluated: 2026-10-09. Review status: criteria provided, single submitter. Criteria: GeneDx Variant Classification Process June 2021. Collection method: clinical testing. Allele origin: germline.
Comment: Published functional studies demonstrate a damaging effect on protein function (PMID: 19509082); In silico analysis suggests that this missense variant does not alter protein structure/function; This variant is associated with the following publications: (PMID: 19509082, 34426522, 30245029, 26990548, 34753855)

Labcorp Genetics (formerly Invitae), Labcorp
Classification: Likely benign. Last evaluated: 2026-01-19. Review status: criteria provided, single submitter. Criteria: Invitae Variant Classification Sherloc (09022015). Collection method: clinical testing. Allele origin: germline.

Dasa
Classification: Uncertain significance for hearing loss, autosomal recessive. Last evaluated: 2025-10-23. Review status: criteria provided, single submitter. Criteria: DASA Assertion Criteria. Collection method: clinical testing. Allele origin: germline.
Comment: NM_000441.2(SLC26A4):c.2211G>C (p.Glu737Asp) is a missense variant that results in the substitution of glutamic acid with aspartic acid. This variant is rare in population databases. The currently available literature and clinical evidence are not sufficient to establish a definitive association between this variant and the reported condition. Therefore, this variant is classified as a variant of uncertain significance.

3billion
Classification: Uncertain significance for Pendred syndrome. Last evaluated: 2025-02-28. Review status: criteria provided, single submitter. Criteria: ACMG Guidelines, 2015. Collection method: clinical testing. Allele origin: germline. Affected: yes.
Comment: The variant is observed at an extremely low frequency in the gnomAD v4.1.0 dataset (total allele frequency: 0.013%). Predicted Consequence/Location: Missense variant The same nucleotide change resulting in the same amino acid change has been previously reported to be associated with SLC26A4-related disorder (PMID: 19509082). However, the evidence of pathogenicity is insufficient at this time. Therefore, this variant is classified as VUS according to the recommendation of ACMG/AMP guideline.

CeGaT Center for Human Genetics Tuebingen
Classification: Uncertain significance. Last evaluated: 2023-02-01. Review status: criteria provided, single submitter. Criteria: CeGaT Center For Human Genetics Tuebingen Variant Classification Criteria Version 2. Collection method: clinical testing. Allele origin: germline. Affected: yes. Observed: 1 variant allele.
Comment: SLC26A4: PM2, BP4

Genome-Nilou Lab
Classification: Uncertain significance for Autosomal recessive nonsyndromic hearing loss 4. Last evaluated: 2021-09-05. Review status: criteria provided, single submitter. Criteria: ACMG Guidelines, 2015. Collection method: clinical testing. Allele origin: germline. Affected: no.

Genome-Nilou Lab
Classification: Uncertain significance for Pendred syndrome. Last evaluated: 2021-09-05. Review status: criteria provided, single submitter. Criteria: ACMG Guidelines, 2015. Collection method: clinical testing. Allele origin: germline. Affected: no.

Department of Otolaryngology – Head & Neck Surgery, Cochlear Implant Center
Classification: Uncertain significance for Hearing impairment. Last evaluated: 2021-04-12. Review status: criteria provided, single submitter. Criteria: ClinGen HL ACMG Specifications v1. Collection method: clinical testing. Allele origin: germline. Affected: yes.
Comment: PM2_Supporting, BP4_Supporting

Laboratory for Molecular Medicine, Mass General Brigham Personalized Medicine
Classification: Uncertain significance. Last evaluated: 2017-04-25. Review status: criteria provided, single submitter. Criteria: LMM Criteria. Collection method: clinical testing. Allele origin: germline. Observed: 3 variant alleles.
Comment: The p.Glu737Asp variant in SLC26A4 has been previously reported in four individu als with hearing loss, one of whom had no inner ear abnormalities. It was not re ported for the remaining three individuals whether or not inner ear abnormalitie s were present (Dai 2009, LMM unpublished data). All these individuals were hete rozygous for this variant and a second pathogenic variant was not identified. Th is variant has been identified in 17/111562 European chromosomes by the Genome A ggregation Database (gnomAD; dbSNP rs20 0664061); however this frequency is not high enough to rule out a pathogenic rol e. A functional study reported that the p.Glu737Asp variant, when expressed in X enopus oocytes, had a reduced rate of Cl(-)/HCO(3)(-) exchange (Dai 2009), thoug h this in vitro assay may not accurately represent biological function. Computat ional prediction tools and conservation analyses suggest that the Glu737Asp vari ant may not impact the protein, though this information is not predictive enough to rule out pathogenicity. In summary, the clinical significance of the p.Glu73 7Asp variant is uncertain.

Counsyl
Classification: Uncertain significance for Pendred syndrome. Last evaluated: 2017-12-28. Review status: no assertion criteria provided. Collection method: clinical testing. Allele origin: unknown. Not counted in ClinVar's aggregate classification.

Literature cited by the submitters: PubMed 19509082 (cited by 4 submitters).

NM_000441.2(SLC26A4):c.2211G>C (p.Glu737Asp)

Gene: SLC26A4 (solute carrier family 26 member 4; plus strand). Cytogenetic location: 7q22.3.
Variant type: single nucleotide variant.
Coding change: c.2211G>C on transcript NM_000441.2 (MANE Select); coding-DNA position 2211, G replaced by C.
Protein change: p.Glu737Asp; replaces glutamic acid 737 with aspartic acid.
Molecular consequence: missense variant.
Genome position (GRCh38, 1-based): chr7:107,710,175, G>C. VCF-style: chr7-107710175-G-C. GRCh37 (hg19) VCF-style: chr7-107350620-G-C.
Other names: short protein forms E737D.
Identifiers: ClinVar variation 177717 (VCV000177717.54), dbSNP rs200664061, ClinGen allele CA180650.